The following is an entry in ClinVar:

ClinVar aggregate classification (germline): Pathogenic (1 of 4 stars; one submission).

Submission:

Labcorp Genetics (formerly Invitae), Labcorp
Classification: Pathogenic. Last evaluated: 2017-12-20. Review status: criteria provided, single submitter. Criteria: Invitae Variant Classification Sherloc (09022015). Collection method: clinical testing. Allele origin: germline.
Comment: This sequence change creates a premature translational stop signal (p.Gln245*) in the POGZ gene. It is expected to result in an absent or disrupted protein product. This variant is not present in population databases (ExAC no frequency). This variant has not been reported in the literature in individuals with POGZ-related disease. Loss-of-function variants in POGZ are known to be pathogenic (PMID: 26739615, 26942287). For these reasons, this variant has been classified as Pathogenic.

Literature cited by the submitters: PubMed 26739615; PubMed 26942287.

NM_015100.4(POGZ):c.733C>T (p.Gln245Ter)

Gene: POGZ (pogo transposable element derived with ZNF domain; minus strand). Cytogenetic location: 1q21.3.
Variant type: single nucleotide variant.
Coding change: c.733C>T on transcript NM_015100.4 (MANE Select); coding-DNA position 733, C replaced by T.
Protein change: p.Gln245Ter; replaces glutamine 245 with a stop codon.
Molecular consequence: nonsense.
Genome position (GRCh38, 1-based): chr1:151,428,249, G>A on the plus strand (C>T on the coding strand, the complement: POGZ is on the minus strand). VCF-style: chr1-151428249-G-A. GRCh37 (hg19) VCF-style: chr1-151400725-G-A.
Other names: c.733C>T, p.Gln245Ter (NM_001194937.2); c.574C>T, p.Gln192Ter (NM_001194938.2, NM_207171.2); c.448C>T, p.Gln150Ter (NM_145796.4); short protein forms Q150*, Q192*, Q245*.
Identifiers: ClinVar variation 1071988 (VCV001071988.2), dbSNP rs2102295668, ClinGen allele CA341977503.